The following is an entry in ClinVar:

NM_024596.5(MCPH1):c.182A>G (p.Asp61Gly)

Gene: MCPH1 (microcephalin 1; plus strand). Cytogenetic location: 8p23.1.
Variant type: single nucleotide variant.
Coding change: c.182A>G on transcript NM_024596.5 (MANE Select); coding-DNA position 182, A replaced by G.
Protein change: p.Asp61Gly; replaces aspartic acid 61 with glycine.
Molecular consequence: missense variant. On other transcripts: non-coding transcript variant (1).
Genome position (GRCh38, 1-based): chr8:6,414,832, A>G. VCF-style: chr8-6414832-A-G. GRCh37 (hg19) VCF-style: chr8-6272353-A-G.
Other names: c.182A>G, p.Asp61Gly (NM_001172574.2, NM_001172575.2, NM_001322042.2 and 2 more transcripts); c.176A>G, p.Asp59Gly (NM_001322043.2); c.80A>G, p.Asp27Gly (NM_001322045.2); c.182A>G (NM_001322042.1); short protein forms D61G, D59G, D27G.
Identifiers: ClinVar variation 196515 (VCV000196515.22), dbSNP rs61749465, ClinGen allele CA202426.

ClinVar aggregate classification (germline): Conflicting classifications of pathogenicity. Review status: criteria provided, conflicting classifications (1 of 4 stars). 6 submissions from 6 submitters: Uncertain significance (2); Benign (1); Likely benign (2). 1 of the submissions does not count toward it. Last evaluated 2026-02-04.

Conditions:
MCPH1-related disorder. Also called: MCPH1-related condition.
Microcephaly 1, primary, autosomal recessive (MCPH1). Also called: PREMATURE CHROMOSOME CONDENSATION SYNDROME; PCC SYNDROME; PREMATURE CHROMOSOME CONDENSATION WITH MICROCEPHALY AND MENTAL RETARDATION. Identifiers: Orphanet 2512, MedGen C1855081, MONDO:0009617, OMIM 251200.

Allele frequency attached by ClinVar (database versions not stated): gnomAD 0.00182 and 0.00191; ExAC 0.00205; gnomAD exomes 0.00206; 1000 Genomes Project 0.00040; 1000 Genomes Project 30x 0.00062; TOPMed 0.00088; ESP Exome Variant Server 0.00144.
gnomAD v4.1: 2,929 of 1,613,890 alleles (0.18%); highest among the groups gnomAD compares: Non-Finnish European, 0.18%; 3 homozygotes.

Submissions (6):

Labcorp Genetics (formerly Invitae), Labcorp
Classification: Benign. Last evaluated: 2026-02-04. Review status: criteria provided, single submitter. Criteria: Invitae Variant Classification Sherloc (09022015). Collection method: clinical testing. Allele origin: germline.

Blueprint Genetics
Classification: Likely benign. Last evaluated: 2024-11-13. Review status: criteria provided, single submitter. Criteria: ACMG Guidelines, 2015. Collection method: clinical testing. Allele origin: germline.

Laboratorio de Genetica e Diagnostico Molecular, Hospital Israelita Albert Einstein
Classification: Uncertain significance for Microcephaly 1, primary, autosomal recessive. Last evaluated: 2022-06-21. Review status: criteria provided, single submitter. Criteria: ACMG Guidelines, 2015. Collection method: clinical testing. Allele origin: germline. Affected: yes.
Comment: ACMG classification criteria: BS1 strong

Illumina Laboratory Services, Illumina
Classification: Uncertain significance for Microcephaly 1, primary, autosomal recessive. Last evaluated: 2018-01-13. Review status: criteria provided, single submitter. Criteria: ICSL Variant Classification Criteria 13 December 2019. Collection method: clinical testing. Allele origin: germline.

Eurofins Ntd Llc (ga)
Classification: Likely benign. Last evaluated: 2015-03-31. Review status: criteria provided, single submitter. Criteria: EGL Classification Definitions 2015. Collection method: clinical testing. Allele origin: germline. Observed: 1 variant allele, 1 heterozygote.

PreventionGenetics, part of Exact Sciences
Classification: Benign for MCPH1-related condition. Last evaluated: 2020-03-17. Review status: no assertion criteria provided. Collection method: clinical testing. Allele origin: germline. Not counted in ClinVar's aggregate classification.
Comment: This variant is classified as benign based on ACMG/AMP sequence variant interpretation guidelines (Richards et al. 2015 PMID: 25741868, with internal and published modifications).